The following is an entry in ClinVar:

NM_000372.5(TYR):c.1037-1G>A

Gene: TYR (tyrosinase; plus strand). Cytogenetic location: 11q14.3.
Variant type: single nucleotide variant.
Coding change: c.1037-1G>A on transcript NM_000372.5 (MANE Select); the canonical splice acceptor site of the intron before coding-DNA position 1037, G replaced by A.
Molecular consequence: splice acceptor variant.
Genome position (GRCh38, 1-based): chr11:89,227,822, G>A. VCF-style: chr11-89227822-G-A. GRCh37 (hg19) VCF-style: chr11-88960990-G-A.
Identifiers: ClinVar variation 99526 (VCV000099526.21), dbSNP rs61754382, ClinGen allele CA227488.

ClinVar aggregate classification (germline): Pathogenic/Likely pathogenic. Review status: criteria provided, multiple submitters, no conflicts (2 of 4 stars). 10 submissions from 10 submitters: Pathogenic (7); Likely pathogenic (1). 2 of the submissions do not count toward it. Last evaluated 2025-12-23.

Conditions:
SKIN/HAIR/EYE PIGMENTATION 3, LIGHT/DARK SKIN (SHEP3). Also called: EYE COLOR 1; EYE COLOR, GREEN/BLUE; SKIN/HAIR/EYE PIGMENTATION, VARIATION IN, 3; SKIN/HAIR/EYE PIGMENTATION 3, BLUE/GREEN EYE COLOR; SKIN/HAIR/EYE PIGMENTATION 3, FRECKLING. Identifiers: MedGen C2677190, OMIM 601800.
Oculocutaneous albinism type 1A (OCA1A). Also called: Albinism, oculocutaneous, type IA. Identifiers: Orphanet 352731, Orphanet 79431, MedGen C4551504, MONDO:0008745, OMIM 203100. Disease mechanism: loss of function.
Oculocutaneous albinism type 1B (OCA1B). Also called: ALBINISM, OCULOCUTANEOUS, TYPE IB; YELLOW ALBINISM; ALBINISM, YELLOW MUTANT TYPE. Identifiers: Orphanet 352731, Orphanet 352737, Orphanet 79434, MedGen C1847024, MONDO:0011749, OMIM 606952.
TYR-related disorder. Also called: TYR-related condition.

Allele frequency attached by ClinVar (database versions not stated): ExAC 0.00001; gnomAD exomes 0.00002 and 0.00004; TOPMed 0.00002.
gnomAD v4.1: 55 of 1,612,196 alleles (0.0034%); highest among the groups gnomAD compares: Non-Finnish European, 0.0042%; 1 homozygote.

Submissions (10):

Labcorp Genetics (formerly Invitae), Labcorp
Classification: Pathogenic. Last evaluated: 2025-12-23. Review status: criteria provided, single submitter. Criteria: Invitae Variant Classification Sherloc (09022015). Collection method: clinical testing. Allele origin: germline.
Comment: This sequence change affects an acceptor splice site in intron 2 of the TYR gene. It is expected to disrupt RNA splicing. Variants that disrupt the donor or acceptor splice site typically lead to a loss of protein function (PMID: 16199547), and loss-of-function variants in TYR are known to be pathogenic (PMID: 23504663). This variant is present in population databases (rs61754382, gnomAD 0.005%). Disruption of this splice site has been observed in individuals with oculocutaneous albinism (PMID: 9259202, 18326704, 27734839, 31077556). This variant is also known as IVS2-1G>A. ClinVar contains an entry for this variant (Variation ID: 99526). Algorithms developed to predict the effect of sequence changes on RNA splicing suggest that this variant may disrupt the consensus splice site. For these reasons, this variant has been classified as Pathogenic.

Blueprint Genetics
Classification: Pathogenic for TYR-related disorders. Last evaluated: 2024-09-09. Review status: criteria provided, single submitter. Criteria: ACMG Guidelines, 2015. Collection method: clinical testing. Allele origin: germline. Affected: yes. Observed: 4 variant alleles.

GeneDx
Classification: Pathogenic. Last evaluated: 2024-02-21. Review status: criteria provided, single submitter. Criteria: GeneDx Variant Classification Process June 2021. Collection method: clinical testing. Allele origin: germline. Affected: yes.
Comment: Canonical splice site variant predicted to result in a null allele in a gene for which loss of function is a known mechanism of disease; This variant is associated with the following publications: (PMID: 18326704, 25525159, 9259202, 28451379, 31980526)

Baylor Genetics
Classification: Pathogenic for SKIN/HAIR/EYE PIGMENTATION 3, LIGHT/DARK SKIN. Last evaluated: 2024-02-16. Review status: criteria provided, single submitter. Criteria: ACMG Guidelines, 2015. Collection method: clinical testing. Allele origin: unknown.

ARUP Laboratories, Molecular Genetics and Genomics, ARUP Laboratories
Classification: Pathogenic. Last evaluated: 2023-09-18. Review status: criteria provided, single submitter. Criteria: ARUP Molecular Germline Variant Investigation Process 2024. Collection method: clinical testing. Allele origin: germline.
Comment: The TYR c.1037-1G>A variant (rs61754382) is reported in the literature in the compound heterozygous state in several individuals affected with oculocutaneous albinism (Jackson 2020, Spritz 1997). This variant is reported in ClinVar (Variation ID: 99526). This variant is only observed on five alleles in the Genome Aggregation Database (v2.1.1), indicating it is not a common polymorphism. This variant disrupts the canonical splice acceptor site of intron 2, which is likely to negatively impact gene function. Based on available information, this variant is considered to be pathogenic. References: Jackson D et al. Molecular diagnostic challenges for non-retinal developmental eye disorders in the United Kingdom. Am J Med Genet C Semin Med Genet. 2020 Sep;184(3):578-589. PMID: 32830442. Spritz RA et al. Novel mutations of the tyrosinase (TYR) gene in type I oculocutaneous albinism (OCA1). Hum Mutat. 1997;10(2):171-4. PMID: 9259202.

Fulgent Genetics
Classification: Likely pathogenic for Oculocutaneous albinism type 1A; SKIN/HAIR/EYE PIGMENTATION 3, LIGHT/DARK SKIN; Oculocutaneous albinism type 1B. Last evaluated: 2021-07-22. Review status: criteria provided, single submitter. Criteria: ACMG Guidelines, 2015. Collection method: clinical testing. Allele origin: unknown.

Genome-Nilou Lab
Classification: Pathogenic for Oculocutaneous albinism type 1A. Last evaluated: 2021-07-22. Review status: criteria provided, single submitter. Criteria: ACMG Guidelines, 2015. Collection method: clinical testing. Allele origin: germline. Affected: no.

Genetic Services Laboratory, University of Chicago
Classification: Pathogenic for Albinism, oculocutaneous, type IA. Last evaluated: 2015-08-12. Review status: criteria provided, single submitter. Criteria: ACMG Guidelines, 2015. Collection method: clinical testing. Allele origin: germline. Affected: yes.

PreventionGenetics, part of Exact Sciences
Classification: Pathogenic for TYR-related condition. Last evaluated: 2024-07-30. Review status: no assertion criteria provided. Collection method: clinical testing. Allele origin: germline. Not counted in ClinVar's aggregate classification.
Comment: The TYR c.1037-1G>A variant is predicted to disrupt the AG splice acceptor site and interfere with normal splicing. This variant has been reported along with a second TYR variant in individual with oculocutaneous albinism (denoted as IVS2-1G>A, Spritz et al. 1997. PubMed ID: 9259202; Hutton et al. 2008. PubMed ID: 18326704). This variant is reported in 0.0044% of alleles in individuals of European (Non-Finnish) descent in gnomAD. Variants that disrupt the consensus splice acceptor site in TYR are expected to be pathogenic. This variant is interpreted as pathogenic.

Retina International
No classification provided. Review status: no classification provided. Collection method: not provided. Allele origin: unknown. Not counted in ClinVar's aggregate classification.

Literature cited by the submitters: PubMed 16199547 (cited by Labcorp Genetics (formerly Invitae), Labcorp); PubMed 23504663 (cited by Labcorp Genetics (formerly Invitae), Labcorp); PubMed 9259202 (cited by Labcorp Genetics (formerly Invitae), Labcorp); PubMed 18326704 (cited by Labcorp Genetics (formerly Invitae), Labcorp); PubMed 27734839 (cited by Labcorp Genetics (formerly Invitae), Labcorp); PubMed 31077556 (cited by Labcorp Genetics (formerly Invitae), Labcorp).